The following is an entry in ClinVar:

NM_014712.3(SETD1A):c.2358G>A (p.Pro786=)

Gene: SETD1A (SET domain containing 1A, histone lysine methyltransferase; plus strand). Cytogenetic location: 16p11.2.
Variant type: single nucleotide variant.
Coding change: c.2358G>A on transcript NM_014712.3 (MANE Select); coding-DNA position 2358, G replaced by A.
Protein change: p.Pro786=; no amino-acid change (proline 786 retained).
Molecular consequence: synonymous variant.
Genome position (GRCh38, 1-based): chr16:30,966,239, G>A. VCF-style: chr16-30966239-G-A. GRCh37 (hg19) VCF-style: chr16-30977560-G-A.
Identifiers: ClinVar variation 2646439 (VCV002646439.24), dbSNP rs1422153500, ClinGen allele CA494918429.
Genomic context (GRCh38, chr16:30,966,239, plus strand): 5'-AGAGGAGGCCCGGCTGCCACCCAGGGAAGAAGCAGAGCTGGCAGAGGGCAAGACCCTCCC[G>A]ACAGCAGGCACCGTGGGCCGTGTGCTCGCCATGCTGGTCCAGGAGATGAAGAGCATCATG-3'
Protein context (NP_055527.1, residues 776-796): EAELAEGKTL[Pro786=]TAGTVGRVLA

ClinVar aggregate classification (germline): Likely benign (1 of 4 stars; one submission).

Allele frequency attached by ClinVar (database versions not stated): TOPMed below 0.00001; gnomAD exomes 0.00001.
gnomAD v4.1: 16 of 1,613,674 alleles (0.00099%); highest among the groups gnomAD compares: African/African-American, 0.004%; no homozygotes.

Submission:

CeGaT Center for Human Genetics Tuebingen
Classification: Likely benign. Last evaluated: 2023-03-01. Review status: criteria provided, single submitter. Criteria: CeGaT Center For Human Genetics Tuebingen Variant Classification Criteria Version 2. Collection method: clinical testing. Allele origin: germline. Affected: yes. Observed: 1 variant allele.
Comment: SETD1A: BP4, BP7